The following is an entry in ClinVar:

NM_022436.3(ABCG5):c.576del (p.Ile193fs)

Genes: ABCG5 (ATP binding cassette subfamily G member 5; minus strand), DYNC2LI1 (dynein cytoplasmic 2 light intermediate chain 1; plus strand). Cytogenetic location: 2p21.
Variant type: Deletion.
Coding change: c.576del on transcript NM_022436.3 (MANE Select); coding-DNA position 576, one base deleted (C; older notation c.576delC).
Protein change: p.Ile193fs; shifts the reading frame from isoleucine 193.
Molecular consequence: frameshift variant. On other transcripts: 3 prime UTR variant (2).
Genome position (GRCh38, 1-based): chr2:43,828,041, G deleted on the plus strand (C on the coding strand, the reverse complement: ABCG5 is on the minus strand). VCF-style (leftmost placement, unchanged base first): chr2-43828040-TG-T. GRCh37 (hg19) VCF-style: chr2-44055179-TG-T.
Other names: c.*671del (NM_001348912.2, NM_001348913.2); short protein forms I193fs.
Identifiers: ClinVar variation 2584572 (VCV002584572.1), dbSNP rs2466053172, ClinGen allele CA2582342399.

ClinVar aggregate classification (germline): Likely pathogenic (1 of 4 stars; one submission).

Conditions:
Sitosterolemia 2. Identifiers: MedGen C5231453, MONDO:0020748, OMIM 618666.
Short-rib thoracic dysplasia 15 with polydactyly (SRTD15). Identifiers: MedGen C4310724, MONDO:0014907, OMIM 617088.

Submission:

New York Genome Center
Classification: Likely pathogenic for Sitosterolemia 2; Short-rib thoracic dysplasia 15 with polydactyly. Last evaluated: 2023-02-03. Review status: criteria provided, single submitter. Criteria: NYGC Assertion Criteria 2020. Collection method: clinical testing. Allele origin: germline. Observed: 1 variant allele.
Comment: The c.576del variant in ABCG5 has not previously been reported in the literature or public variant repositories (ClinVar and LOVD) and is absent from population databases (gnomAD v2.1.1 and v3.1.2, TOPMed Freeze 8, All of Us), suggesting it is not a common benign variant in the populations represented in those databases. The c.576del variant in ABCG5 is located in exon 5 of this 13-exon gene, predicted to incorporate a premature termination codon (p.(Ile193PhefsTer34)), and is expected to result in loss-of-function via nonsense mediated decay. Multiple loss-of-function variants that are downstream to the c.576del variant have been reported in individuals with Familial Hypercholesterolemia in the literature [PMID: 32088153] and in ClinVar [ClinVar IDs: #30485 and #222478] in the context of sitosterolemia. Based on available evidence this c.576del, p.(Ile193PhefsTer34) variant identified in ABCG5 is classified as Likely Pathogenic.